The following is an entry in ClinVar:

NM_173477.5(USH1G):c.424G>A (p.Glu142Lys)

Gene: USH1G (USH1 protein network component sans; minus strand). Cytogenetic location: 17q25.1.
Variant type: single nucleotide variant.
Coding change: c.424G>A on transcript NM_173477.5 (MANE Select); coding-DNA position 424, G replaced by A.
Protein change: p.Glu142Lys; replaces glutamic acid 142 with lysine.
Molecular consequence: missense variant.
Genome position (GRCh38, 1-based): chr17:74,920,412, C>T on the plus strand (G>A on the coding strand, the complement: USH1G is on the minus strand). VCF-style: chr17-74920412-C-T. GRCh37 (hg19) VCF-style: chr17-72916507-C-T.
Other names: p.E142K:GAG>AAG; c.115G>A, p.Glu39Lys (NM_001282489.3); short protein forms E142K, E39K.
Identifiers: ClinVar variation 48131 (VCV000048131.19), dbSNP rs111033466, ClinGen allele CA142654.

ClinVar aggregate classification (germline): Benign. Review status: criteria provided, multiple submitters, no conflicts (2 of 4 stars). 6 submissions from 6 submitters: Benign (6). Last evaluated 2026-02-02.

Conditions:
Usher syndrome type 1G. Also called: USHER SYNDROME, TYPE IG, MILD. Identifiers: Orphanet 231169, Orphanet 886, MedGen C1847089, MONDO:0011748, OMIM 606943.

Allele frequency attached by ClinVar (database versions not stated): 1000 Genomes Project 0.03474; gnomAD 0.03715; 1000 Genomes Project 30x 0.03748; TOPMed 0.04272; ESP Exome Variant Server 0.04521.
gnomAD v4.1: 11,150 of 1,613,462 alleles (0.69%); highest among the groups gnomAD compares: African/African-American, 13%; 604 homozygotes.

Submissions (6):

Labcorp Genetics (formerly Invitae), Labcorp
Classification: Benign. Last evaluated: 2026-02-02. Review status: criteria provided, single submitter. Criteria: Invitae Variant Classification Sherloc (09022015). Collection method: clinical testing. Allele origin: germline.

Athena Diagnostics
Classification: Benign. Last evaluated: 2018-09-12. Review status: criteria provided, single submitter. Criteria: Athena Diagnostics Criteria. Collection method: clinical testing. Allele origin: germline.

Illumina Laboratory Services, Illumina
Classification: Benign for Usher syndrome type 1G. Last evaluated: 2018-01-12. Review status: criteria provided, single submitter. Criteria: ICSL Variant Classification Criteria 13 December 2019. Collection method: clinical testing. Allele origin: germline.
Comment: This variant was observed in the ICSL laboratory as part of a predisposition screen in an ostensibly healthy population. It had not been previously curated by ICSL or reported in the Human Gene Mutation Database (HGMD: prior to June 1st, 2018), and was therefore a candidate for classification through an automated scoring system. Utilizing variant allele frequency, disease prevalence and penetrance estimates, and inheritance mode, an automated score was calculated to assess if this variant is too frequent to cause the disease. Based on the score and internal cut-off values, a variant classified as benign is not then subjected to further curation. The score for this variant resulted in a classification of benign for this disease.

GeneDx
Classification: Benign. Last evaluated: 2014-03-06. Review status: criteria provided, single submitter. Criteria: GeneDx Variant Classification (06012015). Collection method: clinical testing. Allele origin: germline. Affected: yes.
Comment: This variant is considered likely benign or benign based on one or more of the following criteria: it is a conservative change, it occurs at a poorly conserved position in the protein, it is predicted to be benign by multiple in silico algorithms, and/or has population frequency not consistent with disease.

Laboratory for Molecular Medicine, Mass General Brigham Personalized Medicine
Classification: Benign. Last evaluated: 2011-11-03. Review status: criteria provided, single submitter. Criteria: LMM Criteria. Collection method: clinical testing. Allele origin: germline. Observed: 47 variant alleles.
Comment: Glu142Lys in exon 2 of USH1G: This variant is not expected to have clinical sign ificance because it has been identified in 5.9% (300/5015) of a broad population (dbSNP rs111033466).

Breakthrough Genomics
Classification: Benign. Review status: criteria provided, single submitter. Criteria: ACMG Guidelines, 2015. Collection method: not provided. Allele origin: germline. Inheritance: Autosomal recessive inheritance. Affected: yes.

Literature cited by the submitters: PubMed 17896313 (cited by Laboratory for Molecular Medicine, Mass General Brigham Personalized Medicine).